The following is an entry in ClinVar:

ClinVar aggregate classification (germline): Likely benign (1 of 4 stars; one submission).

Conditions:
COL4A2-related disorder. Also called: COL4A2-related disorders; COL4A2-related condition.

gnomAD v4.1: 1 of 1,614,146 alleles (0.000062%); highest among the groups gnomAD compares: African/African-American, 0.0013%; no homozygotes.

Submission:

PreventionGenetics, part of Exact Sciences
Classification: Likely benign for COL4A2-related condition. Last evaluated: 2025-12-27. Review status: criteria provided, single submitter. Criteria: ACMG Guidelines, 2015. Collection method: clinical testing. Allele origin: germline.
Comment: This variant is classified as likely benign based on ACMG/AMP sequence variant interpretation guidelines (Richards et al. 2015 PMID: 25741868, with internal and published modifications).

NM_001846.4(COL4A2):c.1669+8C>T

Genes: COL4A2 (collagen type IV alpha 2 chain; plus strand), COL4A2-AS2 (COL4A2 antisense RNA 2; minus strand). Cytogenetic location: 13q34.
Variant type: single nucleotide variant.
Coding change: c.1669+8C>T on transcript NM_001846.4 (MANE Select); 8 bases into the intron after coding-DNA position 1669, C replaced by T.
Molecular consequence: intron variant.
Genome position (GRCh38, 1-based): chr13:110,462,194, C>T. VCF-style: chr13-110462194-C-T. GRCh37 (hg19) VCF-style: chr13-111114541-C-T.
Identifiers: ClinVar variation 4995684 (VCV004995684.1).